The following is an entry in ClinVar:

ClinVar aggregate classification (germline): Uncertain significance. Review status: criteria provided, multiple submitters, no conflicts (2 of 4 stars). 2 submissions from 2 submitters: Uncertain significance (2). Last evaluated 2023-11-16.

Conditions:
Tuberous sclerosis 2 (TSC2). Identifiers: Orphanet 805, MedGen C1860707, MONDO:0013199, OMIM 613254.
Hereditary cancer-predisposing syndrome. Also called: Neoplastic Syndromes, Hereditary; Hereditary neoplastic syndrome; Hereditary Cancer Syndrome; Tumor predisposition. Identifiers: Orphanet 140162, MedGen C0027672, MeSH D009386, MONDO:0015356.

Submissions (2):

Ambry Genetics
Classification: Uncertain significance for Hereditary cancer-predisposing syndrome. Last evaluated: 2023-11-16. Review status: criteria provided, single submitter. Criteria: Ambry Variant Classification Scheme 2023. Collection method: clinical testing. Allele origin: germline.
Comment: The p.A1261T variant (also known as c.3781G>A), located in coding exon 30 of the TSC2 gene, results from a G to A substitution at nucleotide position 3781. The alanine at codon 1261 is replaced by threonine, an amino acid with similar properties. This amino acid position is not well conserved in available vertebrate species. In addition, the in silico prediction for this alteration is inconclusive. Since supporting evidence is limited at this time, the clinical significance of this alteration remains unclear.

Labcorp Genetics (formerly Invitae), Labcorp
Classification: Uncertain significance for Tuberous sclerosis 2. Last evaluated: 2022-08-12. Review status: criteria provided, single submitter. Criteria: Invitae Variant Classification Sherloc (09022015). Collection method: clinical testing. Allele origin: germline.
Comment: In summary, the available evidence is currently insufficient to determine the role of this variant in disease. Therefore, it has been classified as a Variant of Uncertain Significance. Advanced modeling of protein sequence and biophysical properties (such as structural, functional, and spatial information, amino acid conservation, physicochemical variation, residue mobility, and thermodynamic stability) performed at Invitae indicates that this missense variant is not expected to disrupt TSC2 protein function. ClinVar contains an entry for this variant (Variation ID: 945522). This variant has not been reported in the literature in individuals affected with TSC2-related conditions. This variant is not present in population databases (gnomAD no frequency). This sequence change replaces alanine, which is neutral and non-polar, with threonine, which is neutral and polar, at codon 1261 of the TSC2 protein (p.Ala1261Thr).

NM_000548.5(TSC2):c.3781G>A (p.Ala1261Thr)

Gene: TSC2 (TSC complex subunit 2; plus strand). Cytogenetic location: 16p13.3.
Variant type: single nucleotide variant.
Coding change: c.3781G>A on transcript NM_000548.5 (MANE Select); coding-DNA position 3781, G replaced by A.
Protein change: p.Ala1261Thr; replaces alanine 1261 with threonine.
Molecular consequence: missense variant.
Genome position (GRCh38, 1-based): chr16:2,081,765, G>A. VCF-style: chr16-2081765-G-A. GRCh37 (hg19) VCF-style: chr16-2131766-G-A.
Other names: c.3649G>A, p.Ala1217Thr (NM_001077183.3, NM_001370404.1); c.3781G>A, p.Ala1261Thr (NM_001114382.3); c.3541G>A, p.Ala1181Thr (NM_001318827.2); c.3505G>A, p.Ala1169Thr (NM_001318829.2); c.3049G>A, p.Ala1017Thr (NM_001318831.2); c.3682G>A, p.Ala1228Thr (NM_001318832.2); c.3652G>A, p.Ala1218Thr (NM_001363528.2, NM_001370405.1, NM_021055.3); short protein forms A1169T, A1217T, A1218T, A1228T, A1261T, A1181T, A1017T.
Identifiers: ClinVar variation 945522 (VCV000945522.10), dbSNP rs2090170043, ClinGen allele CA394293409.